The following is an entry in ClinVar:

ClinVar aggregate classification (germline): Uncertain significance (1 of 4 stars; one submission).

gnomAD v4.1: 1 of 1,614,076 alleles (0.000062%); highest among the groups gnomAD compares: Non-Finnish European, 0.000085%; no homozygotes.

Submission:

Labcorp Genetics (formerly Invitae), Labcorp
Classification: Uncertain significance. Last evaluated: 2023-07-17. Review status: criteria provided, single submitter. Criteria: Invitae Variant Classification Sherloc (09022015). Collection method: clinical testing. Allele origin: germline.
Comment: This variant has not been reported in the literature in individuals affected with LEMD3-related conditions. In summary, the available evidence is currently insufficient to determine the role of this variant in disease. Therefore, it has been classified as a Variant of Uncertain Significance. Advanced modeling of protein sequence and biophysical properties (such as structural, functional, and spatial information, amino acid conservation, physicochemical variation, residue mobility, and thermodynamic stability) performed at Invitae indicates that this missense variant is not expected to disrupt LEMD3 protein function. ClinVar contains an entry for this variant (Variation ID: 2043867). This variant is not present in population databases (gnomAD no frequency). This sequence change replaces aspartic acid, which is acidic and polar, with glutamic acid, which is acidic and polar, at codon 266 of the LEMD3 protein (p.Asp266Glu).

NM_014319.5(LEMD3):c.798C>G (p.Asp266Glu)

Gene: LEMD3 (LEM domain containing 3; plus strand). Cytogenetic location: 12q14.3.
Variant type: single nucleotide variant.
Coding change: c.798C>G on transcript NM_014319.5 (MANE Select); coding-DNA position 798, C replaced by G.
Protein change: p.Asp266Glu; replaces aspartic acid 266 with glutamic acid.
Molecular consequence: missense variant.
Genome position (GRCh38, 1-based): chr12:65,170,394, C>G. VCF-style: chr12-65170394-C-G. GRCh37 (hg19) VCF-style: chr12-65564174-C-G.
Other names: c.798C>G, p.Asp266Glu (NM_001167614.2); short protein forms D266E.
Identifiers: ClinVar variation 2043867 (VCV002043867.4), dbSNP rs1389235605, ClinGen allele CA385674039.